The following is an entry in ClinVar:

ClinVar aggregate classification (germline): Uncertain significance (1 of 4 stars; one submission).

Conditions:
Cardiovascular phenotype. Identifiers: MedGen CN230736.

Submission:

Ambry Genetics
Classification: Uncertain significance for Cardiovascular phenotype. Last evaluated: 2023-07-28. Review status: criteria provided, single submitter. Criteria: Ambry Variant Classification Scheme 2023. Collection method: clinical testing. Allele origin: germline.
Comment: The c.117_164dup48 variant (also known as p.T40_A55dup), located in coding exon 1 of the NKX2-5 gene, results from an in-frame duplication of 48 nucleotides at nucleotide positions 117 to 164. This results in the duplication of 16 extra residues (TLAPSSCMLAAFKPEA) between codons 40 and 55. This amino acid region is not well conserved in available vertebrate species. Since supporting evidence is limited at this time, the clinical significance of this alteration remains unclear.

NM_004387.4(NKX2-5):c.117_164dup (p.Ala55_Tyr56insThrLeuAlaProSerSerCysMetLeuAlaAlaPheLysProGluAla)

Gene: NKX2-5 (NK2 homeobox 5; minus strand). Cytogenetic location: 5q35.1.
Variant type: Duplication.
Coding change: c.117_164dup on transcript NM_004387.4 (MANE Select); coding-DNA positions 117 to 164, 48 bases duplicated.
Protein change: p.Ala55_Tyr56insThrLeuAlaProSerSerCysMetLeuAlaAlaPheLysProGluAla.
Molecular consequence: inframe insertion.
Genome position (GRCh38, 1-based): chr5:173,234,920-173,234,967, 48 bases duplicated; duplicating any 48 consecutive bases within chr5:173,234,920-173,234,972 gives the same sequence; the c. name uses the placement nearest the transcript's 3' end. GRCh37 (hg19): chr5:172,661,928-172,661,975.
Other names: c.117_164dup, p.Ala55_Tyr56insThrLeuAlaProSerSerCysMetLeuAlaAlaPheLysProGluAla (NM_001166175.2, NM_001166176.2).
Identifiers: ClinVar variation 2586642 (VCV002586642.2), dbSNP rs2480080061, ClinGen allele CA2582341657.